The following is an entry in ClinVar:

NC_000015.9:g.(?_91310130)_(91310263_?)del

Gene: BLM (BLM RecQ like helicase; plus strand). Cytogenetic location: 15q26.1.
Variant type: Deletion.
Identifiers: ClinVar variation 2422261 (VCV002422261.4).

ClinVar aggregate classification (germline): Uncertain significance (1 of 4 stars; one submission).

Conditions:
Bloom syndrome (BLM). Also called: Bloom-Torre-Machacek syndrome. Identifiers: Orphanet 125, MedGen C0005859, MONDO:0008876, OMIM 210900.

Submission:

Labcorp Genetics (formerly Invitae), Labcorp
Classification: Uncertain significance for Bloom syndrome. Last evaluated: 2022-10-14. Review status: criteria provided, single submitter. Criteria: Invitae Variant Classification Sherloc (09022015). Collection method: clinical testing. Allele origin: germline.
Comment: This variant is a gross deletion of the genomic region encompassing exon(s) 10 of the BLM gene. This variant would be expected to be in-frame, preserving the integrity of the reading frame. This variant has not been reported in the literature in individuals affected with BLM-related conditions. Experimental studies and prediction algorithms are not available or were not evaluated, and the functional significance of this variant is currently unknown. In summary, the available evidence is currently insufficient to determine the role of this variant in disease. Therefore, it has been classified as a Variant of Uncertain Significance.